The following is an entry in ClinVar:

ClinVar aggregate classification (germline): Uncertain significance (1 of 4 stars; one submission).

Conditions:
Developmental delay with autism spectrum disorder and gait instability (MRT38). Also called: Intellectual developmental disorder, autosomal recessive 38. Identifiers: Orphanet 329195, MedGen C3809753, MONDO:0014224, OMIM 615516.

gnomAD v4.1: 6 of 1,614,106 alleles (0.00037%); highest among the groups gnomAD compares: East Asian, 0.013%; no homozygotes.

Submission:

Juno Genomics, Hangzhou Juno Genomics, Inc
Classification: Uncertain significance for Developmental delay with autism spectrum disorder and gait instability. Review status: criteria provided, single submitter. Criteria: ACMG Guidelines, 2015. Collection method: clinical testing. Allele origin: germline.
Comment: Absent from controls (or at extremely low frequency if recessive) in Genome Aggregation Database.;Multiple lines of computational evidence support a deleterious effect on the gene or gene product.

NM_004667.6(HERC2):c.11299+4A>G

Gene: HERC2 (HECT and RLD domain containing E3 ubiquitin protein ligase 2; minus strand). Cytogenetic location: 15q13.1.
Variant type: single nucleotide variant.
Coding change: c.11299+4A>G on transcript NM_004667.6 (MANE Select); 4 bases into the intron after coding-DNA position 11299, A replaced by G.
Molecular consequence: intron variant.
Genome position (GRCh38, 1-based): chr15:28,144,073, T>C on the plus strand (A>G on the coding strand, the complement: HERC2 is on the minus strand). VCF-style: chr15-28144073-T-C. GRCh37 (hg19) VCF-style: chr15-28389219-T-C.
Identifiers: ClinVar variation 5005380 (VCV005005380.2).